The following is an entry in ClinVar:

ClinVar aggregate classification (germline): Likely benign. Review status: criteria provided, multiple submitters, no conflicts (2 of 4 stars). 2 submissions from 2 submitters: Likely benign (2). Last evaluated 2025-12-18.

Conditions:
COG1 congenital disorder of glycosylation (CDG2G). Also called: CONGENITAL DISORDER OF GLYCOSYLATION, TYPE IIg; CDG IIg; CDGII/COG1 CEREBROCOSTOMANDIBULAR-LIKE SYNDROME. Identifiers: Orphanet 263508, MedGen C2931011, MONDO:0012637, OMIM 611209.

Allele frequency attached by ClinVar (database versions not stated): gnomAD exomes 0.00002 and 0.00003; ExAC 0.00005; ESP Exome Variant Server 0.00015; gnomAD 0.00027 and 0.00029; TOPMed 0.00028.
gnomAD v4.1: 64 of 1,608,158 alleles (0.004%); highest among the groups gnomAD compares: African/African-American, 0.079%; no homozygotes.

Submissions (2):

Labcorp Genetics (formerly Invitae), Labcorp
Classification: Likely benign for COG1 congenital disorder of glycosylation. Last evaluated: 2025-12-18. Review status: criteria provided, single submitter. Criteria: Invitae Variant Classification Sherloc (09022015). Collection method: clinical testing. Allele origin: germline.

CeGaT Center for Human Genetics Tuebingen
Classification: Likely benign. Last evaluated: 2024-06-01. Review status: criteria provided, single submitter. Criteria: CeGaT Center For Human Genetics Tuebingen Variant Classification Criteria Version 2. Collection method: clinical testing. Allele origin: germline. Affected: yes. Observed: 1 variant allele.
Comment: COG1: BP4, BP7

NM_018714.3(COG1):c.96G>A (p.Gly32=)

Genes: COG1 (component of oligomeric golgi complex 1; plus strand), LOC130061576 (ATAC-STARR-seq lymphoblastoid active region 12690; plus strand). Cytogenetic location: 17q25.1.
Variant type: single nucleotide variant.
Coding change: c.96G>A on transcript NM_018714.3 (MANE Select); coding-DNA position 96, G replaced by A.
Protein change: p.Gly32=; no amino-acid change (glycine 32 retained).
Molecular consequence: synonymous variant.
Genome position (GRCh38, 1-based): chr17:73,193,165, G>A. VCF-style: chr17-73193165-G-A. GRCh37 (hg19) VCF-style: chr17-71189304-G-A.
Identifiers: ClinVar variation 705432 (VCV000705432.27), dbSNP rs143964203, ClinGen allele CA8739889.